The following is an entry in ClinVar:

NM_020738.4(KIDINS220):c.2533A>G (p.Asn845Asp)

Gene: KIDINS220 (kinase D interacting substrate 220; minus strand). Cytogenetic location: 2p25.1.
Variant type: single nucleotide variant.
Coding change: c.2533A>G on transcript NM_020738.4 (MANE Select); coding-DNA position 2533, A replaced by G.
Protein change: p.Asn845Asp; replaces asparagine 845 with aspartic acid.
Molecular consequence: missense variant. On other transcripts: non-coding transcript variant (2).
Genome position (GRCh38, 1-based): chr2:8,778,977, T>C on the plus strand (A>G on the coding strand, the complement: KIDINS220 is on the minus strand). VCF-style: chr2-8778977-T-C. GRCh37 (hg19) VCF-style: chr2-8919107-T-C.
Other names: c.2536A>G, p.Asn846Asp (NM_001348729.2, NM_001348731.2, NM_001348734.2 and 3 more transcripts); c.2533A>G, p.Asn845Asp (NM_001348732.2, NM_001348735.2, NM_001348738.2 and 3 more transcripts); c.2407A>G, p.Asn803Asp (NM_001348736.2); c.2533A>G (NM_020738.2); short protein forms N803D, N845D, N846D.
Identifiers: ClinVar variation 1993810 (VCV001993810.6), dbSNP rs2527923379, ClinGen allele CA345759973.

ClinVar aggregate classification (germline): Uncertain significance. Review status: criteria provided, multiple submitters, no conflicts (2 of 4 stars). 2 submissions from 2 submitters: Uncertain significance (2). Last evaluated 2023-03-02.

Conditions:
Inborn genetic diseases. Identifiers: MedGen C0950123, MeSH D030342.

Allele frequency attached by ClinVar (database versions not stated): gnomAD exomes below 0.00001.
gnomAD v4.1: 2 of 1,614,152 alleles (0.00012%); highest among the groups gnomAD compares: African/African-American, 0.0013%; no homozygotes.

Submissions (2):

Ambry Genetics
Classification: Uncertain significance for Inborn genetic diseases. Last evaluated: 2023-03-02. Review status: criteria provided, single submitter. Criteria: Ambry Variant Classification Scheme 2023. Collection method: clinical testing. Allele origin: germline.

Labcorp Genetics (formerly Invitae), Labcorp
Classification: Uncertain significance. Last evaluated: 2022-05-21. Review status: criteria provided, single submitter. Criteria: Invitae Variant Classification Sherloc (09022015). Collection method: clinical testing. Allele origin: germline.
Comment: In summary, the available evidence is currently insufficient to determine the role of this variant in disease. Therefore, it has been classified as a Variant of Uncertain Significance. Algorithms developed to predict the effect of missense changes on protein structure and function are either unavailable or do not agree on the potential impact of this missense change (SIFT: "Tolerated"; PolyPhen-2: "Probably Damaging"; Align-GVGD: "Class C0"). This variant has not been reported in the literature in individuals affected with KIDINS220-related conditions. This variant is not present in population databases (gnomAD no frequency). This sequence change replaces asparagine, which is neutral and polar, with aspartic acid, which is acidic and polar, at codon 845 of the KIDINS220 protein (p.Asn845Asp).